The following is an entry in ClinVar:

NM_001458.5(FLNC):c.6258del (p.Asn2087fs)

Genes: FLNC (filamin C; plus strand), FLNC-AS1 (FLNC antisense RNA 1; minus strand). Cytogenetic location: 7q32.1.
Variant type: Deletion.
Coding change: c.6258del on transcript NM_001458.5 (MANE Select); coding-DNA position 6258, one base deleted (C; older notation c.6258delC).
Protein change: p.Asn2087fs; shifts the reading frame from asparagine 2087.
Molecular consequence: frameshift variant.
Genome position (GRCh38, 1-based): chr7:128,853,518, C deleted. VCF-style (leftmost placement, unchanged base first): chr7-128853517-TC-T. GRCh37 (hg19) VCF-style: chr7-128493571-TC-T.
Other names: c.6159del, p.Asn2054fs (NM_001127487.2); c.6258delC, p.Asn2087Thrfs (NM_001458.4); short protein forms N2054fs, N2087fs.
Identifiers: ClinVar variation 3342743 (VCV003342743.1).

ClinVar aggregate classification (germline): Likely pathogenic (1 of 4 stars; one submission).

Submission:

GeneDx
Classification: Likely pathogenic. Last evaluated: 2022-12-12. Review status: criteria provided, single submitter. Criteria: GeneDx Variant Classification Process June 2021. Collection method: clinical testing. Allele origin: germline. Affected: yes.
Comment: Frameshift variant predicted to result in protein truncation or nonsense mediated decay in a gene for which loss of function is a known mechanism of disease; Not observed at significant frequency in large population cohorts (gnomAD); Reported as part of a study analyzing disease-penetrance of FLNC loss-of-function variants in individuals who were unaffected at the time of testing; proband-specific details were not provided (Carruth et al., 2022); This variant is associated with the following publications: (PMID: 35699965)